The following is an entry in ClinVar:

NM_000090.4(COL3A1):c.910G>C (p.Ala304Pro)

Gene: COL3A1 (collagen type III alpha 1 chain; plus strand). Cytogenetic location: 2q32.2.
Variant type: single nucleotide variant.
Coding change: c.910G>C on transcript NM_000090.4 (MANE Select); coding-DNA position 910, G replaced by C.
Protein change: p.Ala304Pro; replaces alanine 304 with proline.
Molecular consequence: missense variant.
Genome position (GRCh38, 1-based): chr2:188,991,681, G>C. VCF-style: chr2-188991681-G-C. GRCh37 (hg19) VCF-style: chr2-189856407-G-C.
Other names: short protein forms A304P.
Identifiers: ClinVar variation 3075139 (VCV003075139.1), dbSNP rs756075915, ClinGen allele CA077071.

ClinVar aggregate classification (germline): Uncertain significance (1 of 4 stars; one submission).

Conditions:
Ehlers-Danlos syndrome, type 4 (EDSVASC). Also called: Ehlers-Danlos Syndrome Type IV; Ehlers-Danlos syndrome vascular type; Ehlers Danlos syndrome, ecchymotic type; Ehlers Danlos syndrome, arterial type; Ehlers Danlos syndrome, Sack-Barabas type. Identifiers: Orphanet 286, MedGen C0268338, MONDO:0017314, OMIM 130050.

Allele frequency attached by ClinVar (database versions not stated): ExAC 0.00001; gnomAD 0.00001.
gnomAD v4.1: 8 of 1,613,830 alleles (0.0005%); highest among the groups gnomAD compares: South Asian, 0.0088%; no homozygotes.

Submission:

All of Us Research Program, National Institutes of Health
Classification: Uncertain significance for Ehlers-Danlos syndrome, type 4. Last evaluated: 2023-12-18. Review status: criteria provided, single submitter. Criteria: ACMG Guidelines, 2015. Collection method: clinical testing. Allele origin: germline. Inheritance: Autosomal dominant inheritance. Observed: 1 variant allele, 1 heterozygote.
Comment: This missense variant replaces alanine with proline at codon 304 of the COL3A1 protein. Computational prediction suggests that this variant may not impact protein structure and function (internally defined REVEL score threshold <= 0.5, PMID: 27666373). To our knowledge, functional studies have not been reported for this variant. This variant has not been reported in individuals affected with COL3A1-related disorders in the literature. This variant has been identified in 2/251308 chromosomes in the general population by the Genome Aggregation Database (gnomAD). The available evidence is insufficient to determine the role of this variant in disease conclusively. Therefore, this variant is classified as a Variant of Uncertain Significance.

This study involves interpretation of variants in research participants for the purpose of population health screening. Participant phenotype was not available at the time of variant classification. Additional details can be found in publication PMID: 35346344, PMCID: PMC8962531